The following is an entry in ClinVar:

ClinVar aggregate classification (germline): Pathogenic (1 of 4 stars; one submission).

Conditions:
Fanconi anemia (FA). Also called: Fanconi's anemia. Identifiers: Orphanet 84, MedGen C0015625, MeSH D005199, MONDO:0019391.

Submission:

Labcorp Genetics (formerly Invitae), Labcorp
Classification: Pathogenic for Fanconi anemia. Last evaluated: 2023-09-06. Review status: criteria provided, single submitter. Criteria: Invitae Variant Classification Sherloc (09022015). Collection method: clinical testing. Allele origin: unknown.
Comment: For these reasons, this variant has been classified as Pathogenic. This variant disrupts a region of the FANCA protein in which other variant(s) (p.Arg1117Gly) have been determined to be pathogenic (PMID: 9371798, 10373536, 11739169, 22778927, 24349332). This suggests that this is a clinically significant region of the protein, and that variants that disrupt it are likely to be disease-causing. This variant has not been reported in the literature in individuals affected with FANCA-related conditions. This variant is a gross deletion of the genomic region encompassing exon(s) 31-36 of the FANCA gene. This variant would be expected to be in-frame, preserving the integrity of the reading frame.

Literature cited by the submitters: PubMed 9371798; PubMed 10373536; PubMed 11739169; PubMed 22778927; PubMed 24349332.

NC_000016.9:g.(?_89811347)_(89818822_?)del

Gene: FANCA (FA complementation group A; minus strand). Cytogenetic location: 16q24.3.
Variant type: Deletion.
Identifiers: ClinVar variation 3243269 (VCV003243269.1).